The following is an entry in ClinVar:

ClinVar aggregate classification (germline): Likely benign. Review status: criteria provided, multiple submitters, no conflicts (2 of 4 stars). 4 submissions from 4 submitters: Likely benign (4). Last evaluated 2025-10-29.

Conditions:
Neuropathy, hereditary sensory and autonomic, type 2A (HSAN2A). Also called: ACROOSTEOLYSIS, GIACCAI TYPE; ACROOSTEOLYSIS, NEUROGENIC; HSAN IIA; WNK1-Related HSAN2 (HSAN2A); MORVAN DISEASE; NEUROPATHY, CONGENITAL SENSORY. Identifiers: Orphanet 970, MedGen C2752089, MONDO:0024309, OMIM 201300.
Pseudohypoaldosteronism type 2C (PHA2C). Also called: Pseudohypoaldosteronism Type IIC. Identifiers: Orphanet 757, Orphanet 88940, MedGen C1840391, MONDO:0013778, OMIM 614492.
WNK1-related disorder. Also called: WNK1-related condition.

Allele frequency attached by ClinVar (database versions not stated): gnomAD exomes 0.00002 and 0.00003; ExAC 0.00004; gnomAD 0.00009 and 0.00010; TOPMed 0.00011.
gnomAD v4.1: 45 of 1,614,118 alleles (0.0028%); highest among the groups gnomAD compares: African/African-American, 0.021%; no homozygotes.

Submissions (4):

Labcorp Genetics (formerly Invitae), Labcorp
Classification: Likely benign for Neuropathy, hereditary sensory and autonomic, type 2A; Pseudohypoaldosteronism type 2C. Last evaluated: 2025-10-29. Review status: criteria provided, single submitter. Criteria: Invitae Variant Classification Sherloc (09022015). Collection method: clinical testing. Allele origin: germline.

PreventionGenetics, part of Exact Sciences
Classification: Likely benign for WNK1-related condition. Last evaluated: 2025-07-16. Review status: criteria provided, single submitter. Criteria: ACMG Guidelines, 2015. Collection method: clinical testing. Allele origin: germline.
Comment: This variant is classified as likely benign based on ACMG/AMP sequence variant interpretation guidelines (Richards et al. 2015 PMID: 25741868, with internal and published modifications).

CeGaT Center for Human Genetics Tuebingen
Classification: Likely benign. Last evaluated: 2025-03-01. Review status: criteria provided, single submitter. Criteria: CeGaT Center For Human Genetics Tuebingen Variant Classification Criteria Version 2. Collection method: clinical testing. Allele origin: germline. Affected: yes. Observed: 1 variant allele.
Comment: WNK1: BP4, BP7

Blueprint Genetics
Classification: Likely benign. Last evaluated: 2022-08-21. Review status: criteria provided, single submitter. Criteria: ACMG Guidelines, 2015. Collection method: clinical testing. Allele origin: germline.

NM_018979.4(WNK1):c.5766A>G (p.Pro1922=)

Gene: WNK1 (WNK lysine deficient protein kinase 1; plus strand). Cytogenetic location: 12p13.33.
Variant type: single nucleotide variant.
Coding change: c.5766A>G on transcript NM_018979.4 (MANE Select); coding-DNA position 5766, A replaced by G.
Protein change: p.Pro1922=; no amino-acid change (proline 1922 retained).
Molecular consequence: synonymous variant.
Genome position (GRCh38, 1-based): chr12:896,253, A>G. VCF-style: chr12-896253-A-G. GRCh37 (hg19) VCF-style: chr12-1005419-A-G.
Other names: c.6546A>G, p.Pro2182= (NM_001184985.2); c.5022A>G, p.Pro1674= (NM_014823.3); c.6522A>G, p.Pro2174= (NM_213655.5); c.5766A>G (NM_018979.3).
Identifiers: ClinVar variation 1125178 (VCV001125178.18), dbSNP rs756493069, ClinGen allele CA6383278.